The following is an entry in ClinVar:

ClinVar aggregate classification (germline): Uncertain significance. Review status: criteria provided, multiple submitters, no conflicts (2 of 4 stars). 2 submissions from 2 submitters: Uncertain significance (2). Last evaluated 2024-10-28.

Conditions:
Inborn genetic diseases. Identifiers: MedGen C0950123, MeSH D030342.

Submissions (2):

Labcorp Genetics (formerly Invitae), Labcorp
Classification: Uncertain significance. Last evaluated: 2024-10-28. Review status: criteria provided, single submitter. Criteria: Invitae Variant Classification Sherloc (09022015). Collection method: clinical testing. Allele origin: germline.
Comment: This sequence change replaces alanine, which is neutral and non-polar, with proline, which is neutral and non-polar, at codon 412 of the CHD8 protein (p.Ala412Pro). This variant is not present in population databases (gnomAD no frequency). This variant has not been reported in the literature in individuals affected with CHD8-related conditions. Invitae Evidence Modeling of protein sequence and biophysical properties (such as structural, functional, and spatial information, amino acid conservation, physicochemical variation, residue mobility, and thermodynamic stability) indicates that this missense variant is not expected to disrupt CHD8 protein function with a negative predictive value of 95%. In summary, the available evidence is currently insufficient to determine the role of this variant in disease. Therefore, it has been classified as a Variant of Uncertain Significance.

Ambry Genetics
Classification: Uncertain significance for Inborn genetic diseases. Last evaluated: 2024-09-09. Review status: criteria provided, single submitter. Criteria: Ambry Variant Classification Scheme 2023. Collection method: clinical testing. Allele origin: germline.

NM_001170629.2(CHD8):c.1234G>C (p.Ala412Pro)

Gene: CHD8 (chromodomain helicase DNA binding protein 8; minus strand). Cytogenetic location: 14q11.2.
Variant type: single nucleotide variant.
Coding change: c.1234G>C on transcript NM_001170629.2 (MANE Select); coding-DNA position 1234, G replaced by C.
Protein change: p.Ala412Pro; replaces alanine 412 with proline.
Molecular consequence: missense variant.
Genome position (GRCh38, 1-based): chr14:21,428,236, C>G on the plus strand (G>C on the coding strand, the complement: CHD8 is on the minus strand). VCF-style: chr14-21428236-C-G. GRCh37 (hg19) VCF-style: chr14-21896395-C-G.
Other names: c.397G>C, p.Ala133Pro (NM_020920.4); short protein forms A412P, A133P.
Identifiers: ClinVar variation 3492076 (VCV003492076.3).